The following is an entry in ClinVar:

NM_018941.4(CLN8):c.265C>G (p.Pro89Ala)

Gene: CLN8 (CLN8 transmembrane ER and ERGIC protein; plus strand). Cytogenetic location: 8p23.3.
Variant type: single nucleotide variant.
Coding change: c.265C>G on transcript NM_018941.4 (MANE Select); coding-DNA position 265, C replaced by G.
Protein change: p.Pro89Ala; replaces proline 89 with alanine.
Molecular consequence: missense variant.
Genome position (GRCh38, 1-based): chr8:1,771,319, C>G. VCF-style: chr8-1771319-C-G. GRCh37 (hg19) VCF-style: chr8-1719485-C-G.
Other names: short protein forms P89A.
Identifiers: ClinVar variation 1022378 (VCV001022378.3), dbSNP rs1486320972, ClinGen allele CA369953204.

ClinVar aggregate classification (germline): Uncertain significance (1 of 4 stars; one submission).

Conditions:
Neuronal ceroid lipofuscinosis. Also called: Neuronal Ceroid Lipofuscinoses. Identifiers: Orphanet 216, Orphanet 79263, MedGen C0027877, MONDO:0016295. Disease mechanism: loss of function.

Allele frequency attached by ClinVar (database versions not stated): TOPMed below 0.00001.
gnomAD v4.1: 2 of 1,614,140 alleles (0.00012%); highest among the groups gnomAD compares: Non-Finnish European, 0.00017%; no homozygotes.

Submission:

Labcorp Genetics (formerly Invitae), Labcorp
Classification: Uncertain significance for Neuronal ceroid lipofuscinosis. Last evaluated: 2023-11-27. Review status: criteria provided, single submitter. Criteria: Invitae Variant Classification Sherloc (09022015). Collection method: clinical testing. Allele origin: germline.
Comment: This sequence change replaces proline, which is neutral and non-polar, with alanine, which is neutral and non-polar, at codon 89 of the CLN8 protein (p.Pro89Ala). This variant is not present in population databases (gnomAD no frequency). This variant has not been reported in the literature in individuals affected with CLN8-related conditions. ClinVar contains an entry for this variant (Variation ID: 1022378). Advanced modeling of protein sequence and biophysical properties (such as structural, functional, and spatial information, amino acid conservation, physicochemical variation, residue mobility, and thermodynamic stability) performed at Invitae indicates that this missense variant is not expected to disrupt CLN8 protein function with a negative predictive value of 80%. In summary, the available evidence is currently insufficient to determine the role of this variant in disease. Therefore, it has been classified as a Variant of Uncertain Significance.